The following is an entry in ClinVar:

ClinVar aggregate classification (germline): Benign. Review status: criteria provided, single submitter (1 of 4 stars). 2 submissions from 2 submitters: Benign (1). 1 of the submissions does not count toward it. Last evaluated 2025-12-08.

Conditions:
TRAPPC12-related disorder. Also called: TRAPPC12-related condition.

Allele frequency attached by ClinVar (database versions not stated): 1000 Genomes Project 0.00120; ExAC 0.00122; 1000 Genomes Project 30x 0.00141; gnomAD 0.00221; TOPMed 0.00252; ESP Exome Variant Server 0.00300.
gnomAD v4.1: 616 of 1,599,032 alleles (0.039%); highest among the groups gnomAD compares: African/African-American, 0.75%; 2 homozygotes.

Submissions (2):

Labcorp Genetics (formerly Invitae), Labcorp
Classification: Benign. Last evaluated: 2025-12-08. Review status: criteria provided, single submitter. Criteria: Invitae Variant Classification Sherloc (09022015). Collection method: clinical testing. Allele origin: germline.

PreventionGenetics, part of Exact Sciences
Classification: Likely benign for TRAPPC12-related condition. Last evaluated: 2019-04-01. Review status: no assertion criteria provided. Collection method: clinical testing. Allele origin: germline. Not counted in ClinVar's aggregate classification.
Comment: This variant is classified as likely benign based on ACMG/AMP sequence variant interpretation guidelines (Richards et al. 2015 PMID: 25741868, with internal and published modifications).

NM_016030.6(TRAPPC12):c.993G>A (p.Val331=)

Gene: TRAPPC12 (trafficking protein particle complex subunit 12; plus strand). Cytogenetic location: 2p25.3.
Variant type: single nucleotide variant.
Coding change: c.993G>A on transcript NM_016030.6 (MANE Select); coding-DNA position 993, G replaced by A.
Protein change: p.Val331=; no amino-acid change (valine 331 retained).
Molecular consequence: synonymous variant.
Genome position (GRCh38, 1-based): chr2:3,388,616, G>A. VCF-style: chr2-3388616-G-A. GRCh37 (hg19) VCF-style: chr2-3392387-G-A.
Other names: c.993G>A (NM_016030.5); c.993G>A, p.Val331= (NM_001321102.2).
Identifiers: ClinVar variation 2052049 (VCV002052049.6), dbSNP rs140519986, ClinGen allele CA1515247.